The following is an entry in ClinVar:

NM_001291303.3(FAT4):c.9597T>A (p.Asp3199Glu)

Gene: FAT4 (FAT atypical cadherin 4; plus strand). Cytogenetic location: 4q28.1.
Variant type: single nucleotide variant.
Coding change: c.9597T>A on transcript NM_001291303.3 (MANE Select); coding-DNA position 9597, T replaced by A.
Protein change: p.Asp3199Glu; replaces aspartic acid 3199 with glutamic acid.
Molecular consequence: missense variant.
Genome position (GRCh38, 1-based): chr4:125,450,607, T>A. VCF-style: chr4-125450607-T-A. GRCh37 (hg19) VCF-style: chr4-126371762-T-A.
Other names: c.9597T>A, p.Asp3199Glu (NM_001291285.3); c.9591T>A, p.Asp3197Glu (NM_024582.6); c.9591T>A (NM_024582.5); short protein forms D3197E, D3199E.
Identifiers: ClinVar variation 1337703 (VCV001337703.11), dbSNP rs568003396, ClinGen allele CA3073550.

ClinVar aggregate classification (germline): Conflicting classifications of pathogenicity. Review status: criteria provided, conflicting classifications (1 of 4 stars). 5 submissions from 5 submitters: Uncertain significance (4); Likely benign (1). Last evaluated 2025-09-02.

Conditions:
Van Maldergem syndrome 2 (VMLDS2). Identifiers: Orphanet 314679, MedGen C3809875, MONDO:0014242, OMIM 615546.
Hennekam lymphangiectasia-lymphedema syndrome 2 (HKLLS2). Identifiers: Orphanet 2136, MedGen C4014939, MONDO:0014454, OMIM 616006.
Inborn genetic diseases. Identifiers: MedGen C0950123, MeSH D030342.
Congenital chromosomal disease. Also called: Chromosomal anomaly; Chromosomal disorder; chromosomal abnormality. Identifiers: Orphanet 68335, MedGen C0008626, MONDO:0019040.

Allele frequency attached by ClinVar (database versions not stated): TOPMed 0.00002; gnomAD 0.00005; gnomAD exomes 0.00005 and 0.00010; ExAC 0.00012; 1000 Genomes Project 30x 0.00016; 1000 Genomes Project 0.00020.
gnomAD v4.1: 80 of 1,614,172 alleles (0.005%); highest among the groups gnomAD compares: South Asian, 0.077%; no homozygotes.

Submissions (5):

Labcorp Genetics (formerly Invitae), Labcorp
Classification: Likely benign. Last evaluated: 2025-09-02. Review status: criteria provided, single submitter. Criteria: Invitae Variant Classification Sherloc (09022015). Collection method: clinical testing. Allele origin: germline.

Fulgent Genetics
Classification: Uncertain significance for Van Maldergem syndrome 2; Hennekam lymphangiectasia-lymphedema syndrome 2. Last evaluated: 2024-02-27. Review status: criteria provided, single submitter. Criteria: ACMG Guidelines, 2015. Collection method: clinical testing. Allele origin: germline.

Ambry Genetics
Classification: Uncertain significance for Inborn genetic diseases. Last evaluated: 2021-07-20. Review status: criteria provided, single submitter. Criteria: Ambry Variant Classification Scheme 2023. Collection method: clinical testing. Allele origin: germline.

Genetic Services Laboratory, University of Chicago
Classification: Uncertain significance. Last evaluated: 2020-08-13. Review status: criteria provided, single submitter. Criteria: ACMG Guidelines, 2015. Collection method: clinical testing. Allele origin: germline. Affected: no.
Comment: The sequence change, c.9591T>A, in exon 9 results in an amino acid change, p.Asp3197Glu. This sequence change does not appear to have been previously described in patients with FAT4-related disorders and has been described in the gnomAD database with a low population frequency of 0.075% in the South Asian subpopulation (dbSNP rs568003396). The p.Asp3197Glu change affects a moderately conserved amino acid residue located in a domain of the FAT4 protein that is known to be functional. The p.Asp3197Glu substitution appears to be benign using several in-silico pathogenicity prediction tools (SIFT, PolyPhen2, Align GVGD, REVEL). Due to these contrasting evidences and the lack of functional studies, the clinical significance of the p.Asp3197Glu change remains unknown at this time.

Cambridge Genomics Laboratory, East Genomic Laboratory Hub, NHS Genomic Medicine Service
Classification: Uncertain significance for Congenital chromosomal disease. Last evaluated: 2019-09-26. Review status: criteria provided, single submitter. Criteria: ACGS Best Practice Guidelines for Variant Classification in Rare Disease 2020. Collection method: clinical testing. Allele origin: germline. Affected: yes. Observed: 1 variant allele.